The following is an entry in ClinVar:

Conditions:
Arteriohepatic dysplasia. Also called: Alagille Syndrome. Identifiers: Orphanet 52, MedGen C0085280, MeSH D016738, MONDO:0007318.

Submission:

Gilbert/Spinner Lab, Children's Hospital of Philadelphia
No classification provided (evidence only). Condition: Alagille syndrome. Review status: no classification provided. Collection method: research. Allele origin: not applicable. Functional consequence: functionally_abnormal.
ClinVar note: "not provided" was previously submitted as the classification for the variant. However, the classification appeared to be based only on an observation of functional data so it was converted to no classification on 2025-07-30.

NM_000214.3(JAG1):c.234C>G (p.Cys78Trp)

Gene: JAG1 (jagged canonical Notch ligand 1; minus strand). Cytogenetic location: 20p12.2.
Variant type: single nucleotide variant.
Coding change: c.234C>G on transcript NM_000214.3 (MANE Select); coding-DNA position 234, C replaced by G.
Protein change: p.Cys78Trp; replaces cysteine 78 with tryptophan.
Molecular consequence: missense variant.
Genome position (GRCh38, 1-based): chr20:10,672,854, G>C on the plus strand (C>G on the coding strand, the complement: JAG1 is on the minus strand). VCF-style: chr20-10672854-G-C. GRCh37 (hg19) VCF-style: chr20-10653502-G-C.
Other names: short protein forms C78W.
Identifiers: ClinVar variation 3573260 (VCV003573260.2).